The following is an entry in ClinVar:

NM_004629.2(FANCG):c.322G>A (p.Glu108Lys)

Gene: FANCG (FA complementation group G; minus strand). Cytogenetic location: 9p13.3.
Variant type: single nucleotide variant.
Coding change: c.322G>A on transcript NM_004629.2 (MANE Select); coding-DNA position 322, G replaced by A.
Protein change: p.Glu108Lys; replaces glutamic acid 108 with lysine.
Molecular consequence: missense variant.
Genome position (GRCh38, 1-based): chr9:35,078,329, C>T on the plus strand (G>A on the coding strand, the complement: FANCG is on the minus strand). VCF-style: chr9-35078329-C-T. GRCh37 (hg19) VCF-style: chr9-35078326-C-T.
Other names: short protein forms E108K.
Identifiers: ClinVar variation 1982463 (VCV001982463.4), dbSNP rs1563987215, ClinGen allele CA373314643.

ClinVar aggregate classification (germline): Uncertain significance (1 of 4 stars; one submission).

Conditions:
Fanconi anemia (FA). Also called: Fanconi's anemia. Identifiers: Orphanet 84, MedGen C0015625, MeSH D005199, MONDO:0019391.

gnomAD v4.1: 1 of 1,613,522 alleles (0.000062%); no homozygotes.

Submission:

Labcorp Genetics (formerly Invitae), Labcorp
Classification: Uncertain significance for Fanconi anemia. Last evaluated: 2022-03-22. Review status: criteria provided, single submitter. Criteria: Invitae Variant Classification Sherloc (09022015). Collection method: clinical testing. Allele origin: germline.
Comment: In summary, the available evidence is currently insufficient to determine the role of this variant in disease. Therefore, it has been classified as a Variant of Uncertain Significance. Algorithms developed to predict the effect of missense changes on protein structure and function output the following: SIFT: "Tolerated"; PolyPhen-2: "Benign"; Align-GVGD: "Class C0". The lysine amino acid residue is found in multiple mammalian species, which suggests that this missense change does not adversely affect protein function. This variant has not been reported in the literature in individuals affected with FANCG-related conditions. This variant is not present in population databases (gnomAD no frequency). This sequence change replaces glutamic acid, which is acidic and polar, with lysine, which is basic and polar, at codon 108 of the FANCG protein (p.Glu108Lys).